The following is an entry in ClinVar:

ClinVar aggregate classification (germline): Uncertain significance. Review status: criteria provided, multiple submitters, no conflicts (2 of 4 stars). 2 submissions from 2 submitters: Uncertain significance (2). Last evaluated 2025-10-16.

Conditions:
Ullrich congenital muscular dystrophy 1A. Also called: Ullrich congenital muscular dystrophy 1; Intermediate COL6-RD. Identifiers: Orphanet 75840, MedGen C0410179, MONDO:0009681, OMIM 254090.
Bethlem myopathy 1A. Also called: MYOPATHY, BENIGN CONGENITAL, WITH CONTRACTURES; Bethlem myopathy 1; Bethlem Muscular Dystrophy. Identifiers: Orphanet 610, MedGen CN029274, MONDO:0024530, OMIM 158810.

gnomAD v4.1: 16 of 1,614,082 alleles (0.00099%); highest among the groups gnomAD compares: African/African-American, 0.004%; no homozygotes.

Submissions (2):

Labcorp Genetics (formerly Invitae), Labcorp
Classification: Uncertain significance for Bethlem myopathy 1A. Last evaluated: 2025-10-16. Review status: criteria provided, single submitter. Criteria: Invitae Variant Classification Sherloc (09022015). Collection method: clinical testing. Allele origin: germline.
Comment: This sequence change replaces glycine, which is neutral and non-polar, with arginine, which is basic and polar, at codon 1168 of the COL6A3 protein (p.Gly1168Arg). This variant is present in population databases (rs747948769, gnomAD 0.007%). This variant has not been reported in the literature in individuals affected with COL6A3-related conditions. ClinVar contains an entry for this variant (Variation ID: 3391280). Invitae Evidence Modeling of protein sequence and biophysical properties (such as structural, functional, and spatial information, amino acid conservation, physicochemical variation, residue mobility, and thermodynamic stability) indicates that this missense variant is not expected to disrupt COL6A3 protein function with a negative predictive value of 80%. In summary, the available evidence is currently insufficient to determine the role of this variant in disease. Therefore, it has been classified as a Variant of Uncertain Significance.

Neuberg Centre For Genomic Medicine, NCGM
Classification: Uncertain significance for Ullrich congenital muscular dystrophy 1A. Review status: criteria provided, single submitter. Criteria: ACMG Guidelines, 2015. Collection method: clinical testing. Allele origin: germline. Inheritance: Autosomal dominant inheritance. Affected: yes.
Comment: The observed missense c.3502G>A p.Gly1168Arg variant in COL6A3 gene has not been reported previously as a pathogenic variant nor as a benign variant, to our knowledge. The p.Gly1168Arg variant is present with allele frequency of 0.0008% in gnomAD Exomes. This variant has not been submitted to the ClinVar database. Computational evidence Polyphen - Probably Damaging, SIFT - Tolerated and MutationTaster - Disease causing predicts conflicting evidence on protein structure and function for this variant. The reference amino acid of p.Gly1168Arg in COL6A3 is predicted as conserved by GERP++ and PhyloP across 100 vertebrates. The amino acid Gly at position 1168 is changed to a Arg changing protein sequence and it might alter its composition and physico-chemical properties. For these reasons, this variant has been classified as a Variant of Uncertain Significance VUS.

NM_004369.4(COL6A3):c.3502G>A (p.Gly1168Arg)

Gene: COL6A3 (collagen type VI alpha 3 chain; minus strand). Cytogenetic location: 2q37.3.
Variant type: single nucleotide variant.
Coding change: c.3502G>A on transcript NM_004369.4 (MANE Select); coding-DNA position 3502, G replaced by A.
Protein change: p.Gly1168Arg; replaces glycine 1168 with arginine.
Molecular consequence: missense variant.
Genome position (GRCh38, 1-based): chr2:237,374,589, C>T on the plus strand (G>A on the coding strand, the complement: COL6A3 is on the minus strand). VCF-style: chr2-237374589-C-T. GRCh37 (hg19) VCF-style: chr2-238283232-C-T.
Other names: c.2281G>A, p.Gly761Arg (NM_057164.5); c.2884G>A, p.Gly962Arg (NM_057165.5, NM_057167.4); c.1681G>A, p.Gly561Arg (NM_057166.5); short protein forms G1168R, G561R, G761R, G962R.
Identifiers: ClinVar variation 3391280 (VCV003391280.2).